The following is an entry in ClinVar:

ClinVar aggregate classification (germline): Uncertain significance. Review status: criteria provided, multiple submitters, no conflicts (2 of 4 stars). 3 submissions from 3 submitters: Uncertain significance (3). Last evaluated 2025-12-01.

Conditions:
Dilated cardiomyopathy 1DD (CMD1DD). Identifiers: Orphanet 154, MedGen C2750995, MONDO:0013168, OMIM 613172.
Cardiovascular phenotype. Identifiers: MedGen CN230736.

Submissions (3):

Ambry Genetics
Classification: Uncertain significance for Cardiovascular phenotype. Last evaluated: 2025-12-01. Review status: criteria provided, single submitter. Criteria: Ambry Variant Classification Scheme 2023. Collection method: clinical testing. Allele origin: germline.
Comment: The p.F282V variant (also known as c.844T>G), located in coding exon 2 of the RBM20 gene, results from a T to G substitution at nucleotide position 844. The phenylalanine at codon 282 is replaced by valine, an amino acid with highly similar properties. This amino acid position is conserved. In addition, the in silico prediction for this alteration is inconclusive. Since supporting evidence is limited at this time, the clinical significance of this alteration remains unclear.

GeneDx
Classification: Uncertain significance. Last evaluated: 2025-05-22. Review status: criteria provided, single submitter. Criteria: GeneDx Variant Classification Process June 2021. Collection method: clinical testing. Allele origin: germline. Affected: yes.
Comment: Not observed at significant frequency in large population cohorts (gnomAD); In silico analysis supports that this missense variant has a deleterious effect on protein structure/function; Has not been previously published as pathogenic or benign to our knowledge

Labcorp Genetics (formerly Invitae), Labcorp
Classification: Uncertain significance for Dilated cardiomyopathy 1DD. Last evaluated: 2022-04-06. Review status: criteria provided, single submitter. Criteria: Invitae Variant Classification Sherloc (09022015). Collection method: clinical testing. Allele origin: germline.
Comment: In summary, the available evidence is currently insufficient to determine the role of this variant in disease. Therefore, it has been classified as a Variant of Uncertain Significance. Advanced modeling of protein sequence and biophysical properties (such as structural, functional, and spatial information, amino acid conservation, physicochemical variation, residue mobility, and thermodynamic stability) performed at Invitae indicates that this missense variant is not expected to disrupt RBM20 protein function. This variant has not been reported in the literature in individuals affected with RBM20-related conditions. This variant is not present in population databases (gnomAD no frequency). This sequence change replaces phenylalanine, which is neutral and non-polar, with valine, which is neutral and non-polar, at codon 282 of the RBM20 protein (p.Phe282Val).

NM_001134363.3(RBM20):c.844T>G (p.Phe282Val)

Gene: RBM20 (RNA binding motif protein 20; plus strand). Cytogenetic location: 10q25.2.
Variant type: single nucleotide variant.
Coding change: c.844T>G on transcript NM_001134363.3 (MANE Select); coding-DNA position 844, T replaced by G.
Protein change: p.Phe282Val; replaces phenylalanine 282 with valine.
Molecular consequence: missense variant.
Genome position (GRCh38, 1-based): chr10:110,781,453, T>G. VCF-style: chr10-110781453-T-G. GRCh37 (hg19) VCF-style: chr10-112541211-T-G.
Other names: short protein forms F282V.
Identifiers: ClinVar variation 1485910 (VCV001485910.10), dbSNP rs2135043456, ClinGen allele CA378383754.